The following is an entry in ClinVar:

ClinVar aggregate classification (germline): Uncertain significance (1 of 4 stars; one submission).

Submission:

Labcorp Genetics (formerly Invitae), Labcorp
Classification: Uncertain significance. Last evaluated: 2022-07-14. Review status: criteria provided, single submitter. Criteria: Invitae Variant Classification Sherloc (09022015). Collection method: clinical testing. Allele origin: germline.
Comment: This sequence change replaces glycine, which is neutral and non-polar, with alanine, which is neutral and non-polar, at codon 46 of the VDR protein (p.Gly46Ala). This variant is present in population databases (rs121909797, gnomAD 0.003%). This variant has not been reported in the literature in individuals affected with VDR-related conditions. Algorithms developed to predict the effect of missense changes on protein structure and function are either unavailable or do not agree on the potential impact of this missense change (SIFT: "Deleterious"; PolyPhen-2: "Probably Damaging"; Align-GVGD: "Class C0"). In summary, the available evidence is currently insufficient to determine the role of this variant in disease. Therefore, it has been classified as a Variant of Uncertain Significance.

NM_000376.3(VDR):c.137G>C (p.Gly46Ala)

Gene: VDR (vitamin D receptor; minus strand). Cytogenetic location: 12q13.11.
Variant type: single nucleotide variant.
Coding change: c.137G>C on transcript NM_000376.3 (MANE Select); coding-DNA position 137, G replaced by C.
Protein change: p.Gly46Ala; replaces glycine 46 with alanine.
Molecular consequence: missense variant.
Genome position (GRCh38, 1-based): chr12:47,878,977, C>G on the plus strand (G>C on the coding strand, the complement: VDR is on the minus strand). VCF-style: chr12-47878977-C-G. GRCh37 (hg19) VCF-style: chr12-48272760-C-G.
Other names: c.137G>C, p.Gly46Ala (NM_001017535.2, NM_001364085.2, NM_001374661.1 and 1 more transcripts); c.287G>C, p.Gly96Ala (NM_001017536.2); short protein forms G46A, G96A.
Identifiers: ClinVar variation 1954983 (VCV001954983.2), dbSNP rs121909797, ClinGen allele CA6534069.